The following is an entry in ClinVar:

ClinVar aggregate classification (germline): Likely benign. Review status: criteria provided, multiple submitters, no conflicts (2 of 4 stars). 3 submissions from 3 submitters: Likely benign (2). 1 of the submissions does not count toward it. Last evaluated 2025-10-15.

Conditions:
Immunodeficiency 104. Also called: Severe combined immunodeficiency, autosomal recessive, T cell-negative, B cell-positive, NK cell-positive; IMMUNODEFICIENCY 104, SEVERE COMBINED; Severe Combined Immune Deficiency, Autosomal Recessive, TCell -Negative, B Cell-Positive, NK Cell-Positive, IL7R-Related; SCID, AUTOSOMAL RECESSIVE, T CELL-NEGATIVE, B CELL-POSITIVE, NK CELL-POSITIVE. Identifiers: MedGen C5676890, MONDO:0012163, OMIM 608971.
PTPRC-related disorder. Also called: PTPRC-related condition.

Allele frequency attached by ClinVar (database versions not stated): gnomAD 0.00003 and 0.00004; TOPMed 0.00006; gnomAD exomes 0.00007 and 0.00010; ExAC 0.00014.
gnomAD v4.1: 107 of 1,610,356 alleles (0.0066%); highest among the groups gnomAD compares: Middle Eastern, 0.016%; no homozygotes.

Submissions (3):

Labcorp Genetics (formerly Invitae), Labcorp
Classification: Likely benign for Immunodeficiency 104. Last evaluated: 2025-10-15. Review status: criteria provided, single submitter. Criteria: Invitae Variant Classification Sherloc (09022015). Collection method: clinical testing. Allele origin: germline.

Blueprint Genetics
Classification: Likely benign. Last evaluated: 2024-10-25. Review status: criteria provided, single submitter. Criteria: ACMG Guidelines, 2015. Collection method: clinical testing. Allele origin: germline.

PreventionGenetics, part of Exact Sciences
Classification: Likely benign for PTPRC-related condition. Last evaluated: 2019-03-12. Review status: no assertion criteria provided. Collection method: clinical testing. Allele origin: germline. Not counted in ClinVar's aggregate classification.
Comment: This variant is classified as likely benign based on ACMG/AMP sequence variant interpretation guidelines (Richards et al. 2015 PMID: 25741868, with internal and published modifications).

NM_002838.5(PTPRC):c.3208-8T>C

Gene: PTPRC (protein tyrosine phosphatase receptor type C; plus strand). Cytogenetic location: 1q32.1.
Variant type: single nucleotide variant.
Coding change: c.3208-8T>C on transcript NM_002838.5 (MANE Select); 8 bases into the intron before coding-DNA position 3208, T replaced by C.
Molecular consequence: intron variant.
Genome position (GRCh38, 1-based): chr1:198,752,241, T>C. VCF-style: chr1-198752241-T-C. GRCh37 (hg19) VCF-style: chr1-198721370-T-C.
Other names: c.2725-8T>C (NM_080921.4).
Identifiers: ClinVar variation 720223 (VCV000720223.13), dbSNP rs201210714, ClinGen allele CA1315386.